The following is an entry in ClinVar:

ClinVar aggregate classification (germline): Uncertain significance (1 of 4 stars; one submission).

Conditions:
Liang-Wang syndrome. Identifiers: Orphanet 664438, MedGen C5231479, MONDO:0032886, OMIM 618729.

gnomAD v4.1: 1 of 1,614,124 alleles (0.000062%); highest among the groups gnomAD compares: Non-Finnish European, 0.000085%; no homozygotes.

Submission:

HudsonAlpha Institute for Biotechnology
Classification: Uncertain significance for Liang-Wang syndrome. Last evaluated: 2021-10-14. Review status: criteria provided, single submitter. Criteria: ACMG Guidelines, 2015. Collection method: research. Allele origin: unknown. Observed: 1 variant allele. Study: HudsonAlpha-AGHI-WGS.
Comment: ACMG codes: PM2, PP3

NM_001161352.2(KCNMA1):c.2594G>A (p.Arg865His)

Genes: KCNMA1 (potassium calcium-activated channel subfamily M alpha 1; minus strand), KCNMA1-AS1 (KCNMA1 antisense RNA 1; plus strand). Cytogenetic location: 10q22.3.
Variant type: single nucleotide variant.
Coding change: c.2594G>A on transcript NM_001161352.2 (MANE Select); coding-DNA position 2594, G replaced by A.
Protein change: p.Arg865His; replaces arginine 865 with histidine.
Molecular consequence: missense variant.
Genome position (GRCh38, 1-based): chr10:76,949,257, C>T on the plus strand (G>A on the coding strand, the complement: KCNMA1 is on the minus strand). VCF-style: chr10-76949257-C-T. GRCh37 (hg19) VCF-style: chr10-78709015-C-T.
Other names: c.2432G>A, p.Arg811His (NM_001014797.3, NM_001322835.2, NM_001322837.2); c.2543G>A, p.Arg848His (NM_001161353.2); c.2270G>A, p.Arg757His (NM_001271518.2); c.2429G>A, p.Arg810His (NM_001271519.2, NM_001322829.2, NM_001322836.2); c.2441G>A, p.Arg814His (NM_001322830.2); c.2420G>A, p.Arg807His (NM_001322832.2, NM_002247.4); c.1967G>A, p.Arg656His (NM_001322838.2); short protein forms R656H, R757H, R807H, R810H, R811H, R814H, R848H, R865H.
Identifiers: ClinVar variation 1684501 (VCV001684501.2), dbSNP rs2152943638, ClinGen allele CA377406321.